The following is an entry in ClinVar:

ClinVar aggregate classification (germline): Uncertain significance. Review status: criteria provided, multiple submitters, no conflicts (2 of 4 stars). 2 submissions from 2 submitters: Uncertain significance (2). Last evaluated 2025-02-27.

Allele frequency attached by ClinVar (database versions not stated): gnomAD 0.00001; TOPMed 0.00001; ExAC 0.00001.

Submissions (2):

Mayo Clinic Laboratories, Mayo Clinic
Classification: Uncertain significance. Last evaluated: 2025-02-27. Review status: criteria provided, single submitter. Criteria: ACMG Guidelines, 2015. Collection method: clinical testing. Allele origin: germline. Observed: 1 variant allele.
Comment: BP4_moderate, PM2_supporting

Eurofins Ntd Llc (ga)
Classification: Uncertain significance. Last evaluated: 2016-01-21. Review status: criteria provided, single submitter. Criteria: EGL Classification Definitions 2015. Collection method: clinical testing. Allele origin: germline. Observed: 1 variant allele, 1 heterozygote.

Literature cited by the submitters: PubMed 30564623 (cited by Mayo Clinic Laboratories, Mayo Clinic).

NM_001130987.2(DYSF):c.713C>T (p.Ala238Val)

Gene: DYSF (dysferlin; plus strand). Cytogenetic location: 2p13.2.
Variant type: single nucleotide variant.
Coding change: c.713C>T on transcript NM_001130987.2 (MANE Select); coding-DNA position 713, C replaced by T.
Protein change: p.Ala238Val; replaces alanine 238 with valine.
Molecular consequence: missense variant.
Genome position (GRCh38, 1-based): chr2:71,513,875, C>T. VCF-style: chr2-71513875-C-T. GRCh37 (hg19) VCF-style: chr2-71741005-C-T.
Other names: p.Ala206Val; c.620C>T, p.Ala207Val (NM_001130455.2, NM_001130983.2, NM_001130984.2 and 1 more transcripts); c.617C>T, p.Ala206Val (NM_001130976.2, NM_001130977.2, NM_001130978.2 and 1 more transcripts); c.710C>T, p.Ala237Val (NM_001130979.2, NM_001130980.2, NM_001130981.2); c.713C>T, p.Ala238Val (NM_001130982.2, NM_001130985.2); short protein forms A206V, A238V, A207V, A237V.
Identifiers: ClinVar variation 285923 (VCV000285923.6), dbSNP rs749901429, ClinGen allele CA1705425.